The following is an entry in ClinVar:

NM_003119.4(SPG7):c.1777A>T (p.Lys593Ter)

Gene: SPG7 (SPG7 matrix AAA peptidase subunit, paraplegin; plus strand). Cytogenetic location: 16q24.3.
Variant type: single nucleotide variant.
Coding change: c.1777A>T on transcript NM_003119.4 (MANE Select); coding-DNA position 1777, A replaced by T.
Protein change: p.Lys593Ter; replaces lysine 593 with a stop codon.
Molecular consequence: nonsense.
Genome position (GRCh38, 1-based): chr16:89,550,607, A>T. VCF-style: chr16-89550607-A-T. GRCh37 (hg19) VCF-style: chr16-89617015-A-T.
Other names: c.1777A>T, p.Lys593Ter (NM_001363850.1); short protein forms K593*.
Identifiers: ClinVar variation 989131 (VCV000989131.4), dbSNP rs1463225651, ClinGen allele CA397431359.

ClinVar aggregate classification (germline): Pathogenic. Review status: criteria provided, multiple submitters, no conflicts (2 of 4 stars). 3 submissions from 3 submitters: Pathogenic (3). Last evaluated 2024-11-24.

Conditions:
Hereditary spastic paraplegia 7 (SPG7). Also called: SPASTIC PARAPLEGIA 7, AUTOSOMAL RECESSIVE, WITH OR WITHOUT CEREBELLAR ATAXIA; Spastic paraplegia 7; Hereditary spastic paraplegia Paraplegin type; Autosomal recessive spastic paraplegia type 7; SPG7-related neurologic disorder. Identifiers: Orphanet 99013, MedGen C1846564, MONDO:0011803, OMIM 607259.

Allele frequency attached by ClinVar (database versions not stated): gnomAD exomes below 0.00001; TOPMed 0.00001.
gnomAD v4.1: 3 of 1,611,562 alleles (0.00019%); highest among the groups gnomAD compares: Admixed American, 0.0017%; no homozygotes.

Submissions (3):

Labcorp Genetics (formerly Invitae), Labcorp
Classification: Pathogenic for Hereditary spastic paraplegia 7. Last evaluated: 2024-11-24. Review status: criteria provided, single submitter. Criteria: Invitae Variant Classification Sherloc (09022015). Collection method: clinical testing. Allele origin: germline.
Comment: This sequence change creates a premature translational stop signal (p.Lys593*) in the SPG7 gene. It is expected to result in an absent or disrupted protein product. Loss-of-function variants in SPG7 are known to be pathogenic (PMID: 21623769, 22964162). This variant is present in population databases (no rsID available, gnomAD 0.003%). This premature translational stop signal has been observed in individual(s) with hereditary spastic paraplegia (PMID: 22571692). ClinVar contains an entry for this variant (Variation ID: 989131). For these reasons, this variant has been classified as Pathogenic.

Fulgent Genetics
Classification: Pathogenic for Hereditary spastic paraplegia 7. Last evaluated: 2024-05-28. Review status: criteria provided, single submitter. Criteria: ACMG Guidelines, 2015. Collection method: clinical testing. Allele origin: germline.

Paris Brain Institute, Inserm - ICM
Classification: Pathogenic for Hereditary spastic paraplegia 7. Review status: criteria provided, single submitter. Criteria: ACMG Guidelines, 2015. Collection method: clinical testing. Allele origin: unknown. Affected: yes. Observed: 1 variant allele.

Literature cited by the submitters: PubMed 21623769 (cited by Labcorp Genetics (formerly Invitae), Labcorp); PubMed 22964162 (cited by Labcorp Genetics (formerly Invitae), Labcorp); PubMed 22571692 (cited by Labcorp Genetics (formerly Invitae), Labcorp).